The following is an entry in ClinVar:

NM_003072.5(SMARCA4):c.2015A>T (p.Glu672Val)

Gene: SMARCA4 (SWI/SNF related BAF chromatin remodeling complex subunit ATPase 4; plus strand). Cytogenetic location: 19p13.2.
Variant type: single nucleotide variant.
Coding change: c.2015A>T on transcript NM_003072.5 (MANE Select); coding-DNA position 2015, A replaced by T.
Protein change: p.Glu672Val; replaces glutamic acid 672 with valine.
Molecular consequence: missense variant. On other transcripts: non-coding transcript variant (1).
Genome position (GRCh38, 1-based): chr19:11,007,915, A>T. VCF-style: chr19-11007915-A-T. GRCh37 (hg19) VCF-style: chr19-11118591-A-T.
Other names: c.2015A>T, p.Glu672Val (NM_001128844.3, NM_001128845.2, NM_001128846.2 and 5 more transcripts); short protein forms E672V.
Identifiers: ClinVar variation 655321 (VCV000655321.8), dbSNP rs1600167444, ClinGen allele CA404052393.

ClinVar aggregate classification (germline): Uncertain significance (1 of 4 stars; one submission).

Conditions:
Rhabdoid tumor predisposition syndrome 2 (RTPS2). Identifiers: Orphanet 231108, Orphanet 69077, MedGen C2750074, MONDO:0013224, OMIM 613325.

Submission:

Labcorp Genetics (formerly Invitae), Labcorp
Classification: Uncertain significance for Rhabdoid tumor predisposition syndrome 2. Last evaluated: 2024-08-17. Review status: criteria provided, single submitter. Criteria: Invitae Variant Classification Sherloc (09022015). Collection method: clinical testing. Allele origin: germline.
Comment: This sequence change replaces glutamic acid, which is acidic and polar, with valine, which is neutral and non-polar, at codon 672 of the SMARCA4 protein (p.Glu672Val). This variant is not present in population databases (gnomAD no frequency). This variant has not been reported in the literature in individuals affected with SMARCA4-related conditions. ClinVar contains an entry for this variant (Variation ID: 655321). Invitae Evidence Modeling of protein sequence and biophysical properties (such as structural, functional, and spatial information, amino acid conservation, physicochemical variation, residue mobility, and thermodynamic stability) indicates that this missense variant is not expected to disrupt SMARCA4 protein function with a negative predictive value of 95%. In summary, the available evidence is currently insufficient to determine the role of this variant in disease. Therefore, it has been classified as a Variant of Uncertain Significance.